The following is an entry in ClinVar:

NM_001040716.2(PC):c.1267G>A (p.Asp423Asn)

Gene: PC (pyruvate carboxylase; minus strand). Cytogenetic location: 11q13.2.
Variant type: single nucleotide variant.
Coding change: c.1267G>A on transcript NM_001040716.2 (MANE Select); coding-DNA position 1267, G replaced by A.
Protein change: p.Asp423Asn; replaces aspartic acid 423 with asparagine.
Molecular consequence: missense variant.
Genome position (GRCh38, 1-based): chr11:66,863,875, C>T on the plus strand (G>A on the coding strand, the complement: PC is on the minus strand). VCF-style: chr11-66863875-C-T. GRCh37 (hg19) VCF-style: chr11-66631346-C-T.
Other names: c.1267G>A, p.Asp423Asn (NM_000920.4, NM_022172.3); short protein forms D423N.
Identifiers: ClinVar variation 393266 (VCV000393266.4), dbSNP rs1057524862, ClinGen allele CA16606004.

ClinVar aggregate classification (germline): Likely pathogenic (1 of 4 stars; one submission).

Allele frequency attached by ClinVar (database versions not stated): gnomAD exomes 0.00001.
gnomAD v4.1: 7 of 1,613,964 alleles (0.00043%); highest among the groups gnomAD compares: African/African-American, 0.0013%; no homozygotes.

Submission:

GeneDx
Classification: Likely pathogenic. Last evaluated: 2019-12-02. Review status: criteria provided, single submitter. Criteria: GeneDx Variant Classification Process June 2021. Collection method: clinical testing. Allele origin: germline. Affected: yes.
Comment: Not observed at a significant frequency in large population cohorts (Lek et al., 2016); In silico analysis, which includes protein predictors and evolutionary conservation, supports a deleterious effect; This variant is associated with the following publications: (PMID: 30045381)